The following is an entry in ClinVar:

NM_006766.5(KAT6A):c.4032G>C (p.Glu1344Asp)

Gene: KAT6A (lysine acetyltransferase 6A; minus strand). Cytogenetic location: 8p11.21.
Variant type: single nucleotide variant.
Coding change: c.4032G>C on transcript NM_006766.5 (MANE Select); coding-DNA position 4032, G replaced by C.
Protein change: p.Glu1344Asp; replaces glutamic acid 1344 with aspartic acid.
Molecular consequence: missense variant.
Genome position (GRCh38, 1-based): chr8:41,934,188, C>G on the plus strand (G>C on the coding strand, the complement: KAT6A is on the minus strand). VCF-style: chr8-41934188-C-G. GRCh37 (hg19) VCF-style: chr8-41791706-C-G.
Other names: short protein forms E1344D.
Identifiers: ClinVar variation 3720529 (VCV003720529.2).

ClinVar aggregate classification (germline): Uncertain significance (1 of 4 stars; one submission).

gnomAD v4.1: 1 of 1,614,194 alleles (0.000062%); highest among the groups gnomAD compares: Non-Finnish European, 0.000085%; no homozygotes.

Submission:

Labcorp Genetics (formerly Invitae), Labcorp
Classification: Uncertain significance. Last evaluated: 2024-10-21. Review status: criteria provided, single submitter. Criteria: Invitae Variant Classification Sherloc (09022015). Collection method: clinical testing. Allele origin: germline.
Comment: This sequence change replaces glutamic acid, which is acidic and polar, with aspartic acid, which is acidic and polar, at codon 1344 of the KAT6A protein (p.Glu1344Asp). This variant is not present in population databases (gnomAD no frequency). This variant has not been reported in the literature in individuals affected with KAT6A-related conditions. Invitae Evidence Modeling of protein sequence and biophysical properties (such as structural, functional, and spatial information, amino acid conservation, physicochemical variation, residue mobility, and thermodynamic stability) indicates that this missense variant is not expected to disrupt KAT6A protein function with a negative predictive value of 95%. In summary, the available evidence is currently insufficient to determine the role of this variant in disease. Therefore, it has been classified as a Variant of Uncertain Significance.